The following is an entry in ClinVar:

ClinVar aggregate classification (germline): Uncertain significance. Review status: criteria provided, multiple submitters, no conflicts (2 of 4 stars). 3 submissions from 3 submitters: Uncertain significance (3). Last evaluated 2024-10-01.

Conditions:
Developmental and epileptic encephalopathy, 42 (DEE42A). Also called: DEVELOPMENTAL AND EPILEPTIC ENCEPHALOPATHY 42A; EPILEPTIC ENCEPHALOPATHY, EARLY INFANTILE, 42A; Epileptic encephalopathy, early infantile, 42. Identifiers: MedGen C4310716, MONDO:0014917, OMIM 617106.
Episodic ataxia type 2 (EA2). Also called: ATAXIA, EPISODIC, WITH NYSTAGMUS; ATAXIA, FAMILIAL PAROXYSMAL; CEREBELLAR ATAXIA, PAROXYSMAL, ACETAZOLAMIDE-RESPONSIVE; CEREBELLOPATHY, HEREDITARY PAROXYSMAL; ACETAZOLAMIDE-RESPONSIVE HEREDITARY PAROXYSMAL CEREBELLAR ATAXIA; EPISODIC ATAXIA, NYSTAGMUS-ASSOCIATED. Identifiers: Orphanet 97, MedGen C1720416, MONDO:0007163, OMIM 108500.

Allele frequency attached by ClinVar (database versions not stated): ExAC below 0.00001; TOPMed below 0.00001; gnomAD exomes 0.00001.
gnomAD v4.1: 10 of 1,528,814 alleles (0.00065%); highest among the groups gnomAD compares: Non-Finnish European, 0.00087%; no homozygotes.

Submissions (3):

CeGaT Center for Human Genetics Tuebingen
Classification: Uncertain significance. Last evaluated: 2024-10-01. Review status: criteria provided, single submitter. Criteria: CeGaT Center For Human Genetics Tuebingen Variant Classification Criteria Version 2. Collection method: clinical testing. Allele origin: germline. Affected: yes. Observed: 2 variant alleles.
Comment: CACNA1A: PM2, PP3

Labcorp Genetics (formerly Invitae), Labcorp
Classification: Uncertain significance for Developmental and epileptic encephalopathy, 42; Episodic ataxia type 2. Last evaluated: 2024-07-15. Review status: criteria provided, single submitter. Criteria: Invitae Variant Classification Sherloc (09022015). Collection method: clinical testing. Allele origin: germline.
Comment: This sequence change replaces histidine, which is basic and polar, with arginine, which is basic and polar, at codon 2236 of the CACNA1A protein (p.His2236Arg). This variant is not present in population databases (gnomAD no frequency). This variant has not been reported in the literature in individuals affected with CACNA1A-related conditions. ClinVar contains an entry for this variant (Variation ID: 423374). Advanced modeling of protein sequence and biophysical properties (such as structural, functional, and spatial information, amino acid conservation, physicochemical variation, residue mobility, and thermodynamic stability) performed at Invitae indicates that this missense variant is not expected to disrupt CACNA1A protein function with a negative predictive value of 95%. In summary, the available evidence is currently insufficient to determine the role of this variant in disease. Therefore, it has been classified as a Variant of Uncertain Significance.

GeneDx
Classification: Uncertain significance. Last evaluated: 2023-11-27. Review status: criteria provided, single submitter. Criteria: GeneDx Variant Classification Process June 2021. Collection method: clinical testing. Allele origin: germline. Affected: yes.
Comment: Not observed at significant frequency in large population cohorts (gnomAD); In silico analysis supports that this missense variant does not alter protein structure/function; Has not been previously published as pathogenic or benign to our knowledge

NM_001127222.2(CACNA1A):c.6704A>G (p.His2235Arg)

Gene: CACNA1A (calcium voltage-gated channel subunit alpha1 A; minus strand). Cytogenetic location: 19p13.13.
Variant type: single nucleotide variant.
Coding change: c.6704A>G on transcript NM_001127222.2 (MANE Select); coding-DNA position 6704, A replaced by G.
Protein change: p.His2235Arg; replaces histidine 2235 with arginine.
Molecular consequence: missense variant.
Genome position (GRCh38, 1-based): chr19:13,208,832, T>C on the plus strand (A>G on the coding strand, the complement: CACNA1A is on the minus strand). VCF-style: chr19-13208832-T-C. GRCh37 (hg19) VCF-style: chr19-13319646-T-C.
Other names: c.6722A>G, p.His2241Arg (NM_000068.4, NM_023035.3); c.6707A>G, p.His2236Arg (NM_001127221.2); c.6713A>G, p.His2238Arg (NM_001174080.2); short protein forms H2236R, H2235R, H2241R, H2238R.
Identifiers: ClinVar variation 423374 (VCV000423374.38), dbSNP rs758639263, ClinGen allele CA9239288.